The following is an entry in ClinVar:

NM_000070.3(CAPN3):c.1116-5A>G

Gene: CAPN3 (calpain 3; plus strand). Cytogenetic location: 15q15.1.
Variant type: single nucleotide variant.
Coding change: c.1116-5A>G on transcript NM_000070.3 (MANE Select); 5 bases into the intron before coding-DNA position 1116, A replaced by G.
Molecular consequence: intron variant.
Genome position (GRCh38, 1-based): chr15:42,396,795, A>G. VCF-style: chr15-42396795-A-G. GRCh37 (hg19) VCF-style: chr15-42688993-A-G.
Other names: p.?; c.1116-5A>G (NM_024344.2); c.972-5A>G (NM_173087.2).
Identifiers: ClinVar variation 166788 (VCV000166788.22), dbSNP rs28364467, ClinGen allele CA179840.

ClinVar aggregate classification (germline): Benign/Likely benign. Review status: criteria provided, multiple submitters, no conflicts (2 of 4 stars). 8 submissions from 8 submitters: Benign (6); Likely benign (1). 1 of the submissions does not count toward it. Last evaluated 2026-01-31.

Conditions:
Autosomal recessive limb-girdle muscular dystrophy type 2A (LGMDR1). Also called: LEYDEN-MOEBIUS MUSCULAR DYSTROPHY; MUSCULAR DYSTROPHY, PELVOFEMORAL; Calpainopathy; Limb-girdle muscular dystrophy, type 2A; Muscular dystrophy, limb-girdle, type 2A, Amish. Identifiers: Orphanet 267, MedGen C1869123, MONDO:0009675, OMIM 253600. Disease mechanism: loss of function.

Allele frequency attached by ClinVar (database versions not stated): gnomAD exomes 0.00268; ExAC 0.00341; gnomAD 0.01064 and 0.01144; 1000 Genomes Project 0.01158; TOPMed 0.01198; ESP Exome Variant Server 0.01338; 1000 Genomes Project 30x 0.01359.
gnomAD v4.1: 3,140 of 1,611,658 alleles (0.19%); highest among the groups gnomAD compares: African/African-American, 3.8%; 58 homozygotes.

Submissions (8):

Labcorp Genetics (formerly Invitae), Labcorp
Classification: Benign for Autosomal recessive limb-girdle muscular dystrophy type 2A. Last evaluated: 2026-01-31. Review status: criteria provided, single submitter. Criteria: Invitae Variant Classification Sherloc (09022015). Collection method: clinical testing. Allele origin: germline.

Mayo Clinic Laboratories, Mayo Clinic
Classification: Benign. Last evaluated: 2018-10-12. Review status: criteria provided, single submitter. Criteria: ACMG Guidelines, 2015. Collection method: clinical testing. Allele origin: germline. Observed: 5 variant alleles.

Illumina Laboratory Services, Illumina
Classification: Likely benign for Limb-girdle muscular dystrophy, type 2A. Last evaluated: 2018-01-13. Review status: criteria provided, single submitter. Criteria: ICSL Variant Classification Criteria 13 December 2019. Collection method: clinical testing. Allele origin: germline.
Comment: This variant was observed in the ICSL laboratory as part of a predisposition screen in an ostensibly healthy population. It had not been previously curated by ICSL or reported in the Human Gene Mutation Database (HGMD: prior to June 1st, 2018), and was therefore a candidate for classification through an automated scoring system. Utilizing variant allele frequency, disease prevalence and penetrance estimates, and inheritance mode, an automated score was calculated to assess if this variant is too frequent to cause the disease. Based on the score and internal cut-off values, a variant classified as likely benign is not then subjected to further curation. The score for this variant resulted in a classification of likely benign for this disease.

Athena Diagnostics
Classification: Benign. Last evaluated: 2017-12-27. Review status: criteria provided, single submitter. Criteria: Athena Diagnostics Criteria. Collection method: clinical testing. Allele origin: germline.

GeneDx
Classification: Benign. Last evaluated: 2016-08-05. Review status: criteria provided, single submitter. Criteria: GeneDx Variant Classification (06012015). Collection method: clinical testing. Allele origin: germline. Affected: yes.
Comment: This variant is considered likely benign or benign based on one or more of the following criteria: it is a conservative change, it occurs at a poorly conserved position in the protein, it is predicted to be benign by multiple in silico algorithms, and/or has population frequency not consistent with disease.

Eurofins Ntd Llc (ga)
Classification: Benign. Last evaluated: 2014-03-14. Review status: criteria provided, single submitter. Criteria: EGL Classification Definitions 2015. Collection method: clinical testing. Allele origin: germline. Observed: 2 variant alleles, 2 heterozygotes.

PreventionGenetics, part of Exact Sciences
Classification: Benign. Review status: criteria provided, single submitter. Criteria: ACMG Guidelines, 2015. Collection method: clinical testing. Allele origin: germline.

Natera, Inc.
Classification: Benign for Limb-girdle muscular dystrophy type 2A. Last evaluated: 2020-09-16. Review status: no assertion criteria provided. Collection method: clinical testing. Allele origin: germline. Not counted in ClinVar's aggregate classification.